The following is an entry in ClinVar:

NM_032043.3(BRIP1):c.2398T>C (p.Tyr800His)

Gene: BRIP1 (BRCA1 interacting DNA helicase 1; minus strand). Cytogenetic location: 17q23.2.
Variant type: single nucleotide variant.
Coding change: c.2398T>C on transcript NM_032043.3 (MANE Select); coding-DNA position 2398, T replaced by C.
Protein change: p.Tyr800His; replaces tyrosine 800 with histidine.
Molecular consequence: missense variant.
Genome position (GRCh38, 1-based): chr17:61,716,045, A>G on the plus strand (T>C on the coding strand, the complement: BRIP1 is on the minus strand). VCF-style: chr17-61716045-A-G. GRCh37 (hg19) VCF-style: chr17-59793406-A-G.
Other names: short protein forms Y800H.
Identifiers: ClinVar variation 481618 (VCV000481618.30), dbSNP rs1305107535, ClinGen allele CA400479791.
Genomic context (GRCh38, chr17:61,716,045, plus strand): 5'-GAATTTCATACCACTGACGGCCAGGTAGAAGACCTCTCAATTTTGAATGGTGGTCATTGT[A>G]TTGTCGTTTTAGTTCAACCTAATAATTTTAAAATATATTTAAAAAATTAGTAGATAATTA-3'
Protein context (NP_114432.2, residues 790-810): KDLQVELKRQ[Tyr800His]NDHHSKLRGL

ClinVar aggregate classification (germline): Uncertain significance. Review status: criteria provided, multiple submitters, no conflicts (2 of 4 stars). 7 submissions from 7 submitters: Uncertain significance (7). Last evaluated 2026-09-11.

Conditions:
BRIP1-related disorder. Also called: BRIP1-related condition; BRIP1-related disorders. Identifiers: MedGen CN239206.
Hereditary cancer-predisposing syndrome. Also called: Neoplastic Syndromes, Hereditary; Hereditary Cancer Syndrome; Tumor predisposition; Hereditary neoplastic syndrome. Identifiers: Orphanet 140162, MedGen C0027672, MeSH D009386, MONDO:0015356.
Fanconi anemia complementation group J. Also called: BRIP1-Related Fanconi Anemia. Identifiers: Orphanet 84, MedGen C1836860, MONDO:0012187, OMIM 609054.
Familial cancer of breast. Also called: BREAST CANCER, FAMILIAL; Hereditary breast cancer; hereditary breast carcinoma. Identifiers: Orphanet 227535, MedGen C0346153, MONDO:0016419, OMIM 114480. Disease mechanism: loss of function.

Allele frequency attached by ClinVar (database versions not stated): gnomAD exomes below 0.00001 and 0.00001; TOPMed below 0.00001.
gnomAD v4.1: 13 of 1,599,820 alleles (0.00081%); highest among the groups gnomAD compares: Middle Eastern, 0.05%; no homozygotes.

Submissions (7):

PreventionGenetics, part of Exact Sciences
Classification: Uncertain significance for BRIP1-related condition. Last evaluated: 2026-09-11. Review status: criteria provided, single submitter. Criteria: ACMG Guidelines, 2015. Collection method: clinical testing. Allele origin: germline.
Comment: The BRIP1 c.2398T>C variant is predicted to result in the amino acid substitution p.Tyr800His. This variant has been reported in a case and a control in a large breast cancer cohort (Breast Cancer Association Consortium et al. 2021. PubMed ID: 33471991). It is reported in 0.00089% of alleles in individuals of European (Non-Finnish) descent in gnomAD and is classified as uncertain in ClinVar (Variation ID: 481618). At this time, the clinical significance of this variant is uncertain due to the absence of conclusive functional and genetic evidence.

Labcorp Genetics (formerly Invitae), Labcorp
Classification: Uncertain significance for Familial cancer of breast; Fanconi anemia complementation group J. Last evaluated: 2026-01-28. Review status: criteria provided, single submitter. Criteria: Invitae Variant Classification Sherloc (09022015). Collection method: clinical testing. Allele origin: germline.
Comment: This sequence change replaces tyrosine, which is neutral and polar, with histidine, which is basic and polar, at codon 800 of the BRIP1 protein (p.Tyr800His). This variant is present in population databases (no rsID available, gnomAD 0.0009%). This variant has not been reported in the literature in individuals affected with BRIP1-related conditions. ClinVar contains an entry for this variant (Variation ID: 481618). Invitae Evidence Modeling of protein sequence and biophysical properties (such as structural, functional, and spatial information, amino acid conservation, physicochemical variation, residue mobility, and thermodynamic stability) indicates that this missense variant is expected to disrupt BRIP1 protein function with a positive predictive value of 95%. In summary, the available evidence is currently insufficient to determine the role of this variant in disease. Therefore, it has been classified as a Variant of Uncertain Significance.

Ambry Genetics
Classification: Uncertain significance for Hereditary cancer-predisposing syndrome. Last evaluated: 2025-11-18. Review status: criteria provided, single submitter. Criteria: Ambry Variant Classification Scheme 2023. Collection method: clinical testing. Allele origin: germline.
Comment: The p.Y800H variant (also known as c.2398T>C), located in coding exon 16 of the BRIP1 gene, results from a T to C substitution at nucleotide position 2398. The tyrosine at codon 800 is replaced by histidine, an amino acid with similar properties. This amino acid position is highly conserved in available vertebrate species. In addition, this alteration is predicted to be deleterious by in silico analysis. Since supporting evidence is limited at this time, the clinical significance of this alteration remains unclear.

Color Diagnostics, LLC DBA Color Health
Classification: Uncertain significance for Hereditary cancer-predisposing syndrome. Last evaluated: 2025-07-18. Review status: criteria provided, single submitter. Criteria: ACMG Guidelines, 2015. Collection method: clinical testing. Allele origin: germline.
Comment: This missense variant replaces tyrosine with histidine at codon 800 of the BRIP1 protein. Computational prediction suggests that this variant may have deleterious impact on protein structure and function. To our knowledge, functional studies have not been reported for this variant. In a large breast cancer case-control study, this variant was identified in 1/60465 cases and 1/53460 controls (PMID: 33471991). This variant has been identified in 1/248420 chromosomes in the general population by the Genome Aggregation Database (gnomAD). The available evidence is insufficient to determine the role of this variant in disease conclusively. Therefore, this variant is classified as a Variant of Uncertain Significance.

Center for Genomic Medicine, Rigshospitalet, Copenhagen University Hospital
Classification: Uncertain significance. Last evaluated: 2025-03-04. Review status: criteria provided, single submitter. Criteria: ACMG Guidelines, 2015. Collection method: clinical testing. Allele origin: germline.

Blueprint Genetics
Classification: Uncertain significance. Last evaluated: 2024-03-07. Review status: criteria provided, single submitter. Criteria: ACMG Guidelines, 2015. Collection method: clinical testing. Allele origin: germline.

Quest Diagnostics Nichols Institute San Juan Capistrano
Classification: Uncertain significance. Last evaluated: 2023-11-06. Review status: criteria provided, single submitter. Criteria: Quest Diagnostics criteria. Collection method: clinical testing. Allele origin: unknown.
Comment: The BRIP1 c.2398T>C (p.Tyr800His) variant has not been reported in individuals with BRIP1-related conditions in the published literature. The frequency of this variant in the general population, 0.000004 (1/248420 chromosomes (Genome Aggregation Database)), is uninformative in the assessment of its pathogenicity. Analysis of this variant using bioinformatics tools for the prediction of the effect of amino acid changes on protein structure and function yielded conflicting predictions that this variant is benign or damaging. Based on the available information, we are unable to determine the clinical significance of this variant.

Literature cited by the submitters: PubMed 33471991 (cited by Color Diagnostics, LLC DBA Color Health).